The following is an entry in ClinVar:

NM_006031.6(PCNT):c.5883G>A (p.Val1961=)

Gene: PCNT (pericentrin; plus strand). Cytogenetic location: 21q22.3.
Variant type: single nucleotide variant.
Coding change: c.5883G>A on transcript NM_006031.6 (MANE Select); coding-DNA position 5883, G replaced by A.
Protein change: p.Val1961=; no amino-acid change (valine 1961 retained).
Molecular consequence: synonymous variant.
Genome position (GRCh38, 1-based): chr21:46,411,956, G>A. VCF-style: chr21-46411956-G-A. GRCh37 (hg19) VCF-style: chr21-47831870-G-A.
Other names: c.5529G>A, p.Val1843= (NM_001315529.2).
Identifiers: ClinVar variation 4999908 (VCV004999908.1).

ClinVar aggregate classification (germline): Likely benign (1 of 4 stars; one submission).

Conditions:
PCNT-related disorder. Also called: PCNT-related condition.

gnomAD v4.1: 1 of 1,598,676 alleles (0.000063%); highest among the groups gnomAD compares: Admixed American, 0.0017%; no homozygotes.

Submission:

PreventionGenetics, part of Exact Sciences
Classification: Likely benign for PCNT-related condition. Last evaluated: 2024-12-03. Review status: criteria provided, single submitter. Criteria: ACMG Guidelines, 2015. Collection method: clinical testing. Allele origin: germline.
Comment: This variant is classified as likely benign based on ACMG/AMP sequence variant interpretation guidelines (Richards et al. 2015 PMID: 25741868, with internal and published modifications).